The following is an entry in ClinVar:

NM_025132.4(WDR19):c.2778T>C (p.Ser926=)

Gene: WDR19 (WD repeat domain 19; plus strand). Cytogenetic location: 4p14.
Variant type: single nucleotide variant.
Coding change: c.2778T>C on transcript NM_025132.4 (MANE Select); coding-DNA position 2778, T replaced by C.
Protein change: p.Ser926=; no amino-acid change (serine 926 retained).
Molecular consequence: synonymous variant.
Genome position (GRCh38, 1-based): chr4:39,253,194, T>C. VCF-style: chr4-39253194-T-C. GRCh37 (hg19) VCF-style: chr4-39254814-T-C.
Other names: c.2298T>C, p.Ser766= (NM_001317924.2).
Identifiers: ClinVar variation 3032442 (VCV003032442.2), dbSNP rs2475315638, ClinGen allele CA438942499.
Genomic context (GRCh38, chr4:39,253,194, plus strand): 5'-ATTTTTTTACAGATACAAAGAAGCTGTTGTAGCTTATGAAAATGCAAAACAGTGGCAAAG[T>C]GTAATCCGCATCTATCTGGATCACCTCAATAATCCTGAAAAAGCTGTCAATATTGTTAGA-3'
Protein context (NP_079408.3, residues 916-936): VAYENAKQWQ[Ser926=]VIRIYLDHLN

ClinVar aggregate classification (germline): Likely benign (0 of 4 stars; one submission).

Conditions:
WDR19-related disorder. Also called: WDR19-related condition; WDR19-related disorders. Identifiers: MedGen CN380161.

Submission:

PreventionGenetics, part of Exact Sciences
Classification: Likely benign for WDR19-related condition. Last evaluated: 2020-08-26. Review status: no assertion criteria provided. Collection method: clinical testing. Allele origin: germline.
Comment: This variant is classified as likely benign based on ACMG/AMP sequence variant interpretation guidelines (Richards et al. 2015 PMID: 25741868, with internal and published modifications).